The following is an entry in ClinVar:

ClinVar aggregate classification (germline): Uncertain significance (1 of 4 stars; one submission).

Submission:

Labcorp Genetics (formerly Invitae), Labcorp
Classification: Uncertain significance. Last evaluated: 2021-04-16. Review status: criteria provided, single submitter. Criteria: Invitae Variant Classification Sherloc (09022015). Collection method: clinical testing. Allele origin: germline.
Comment: This variant is not present in population databases (ExAC no frequency). In summary, the available evidence is currently insufficient to determine the role of this variant in disease. Therefore, it has been classified as a Variant of Uncertain Significance. Nucleotide substitutions within the consensus splice site are a relatively common cause of aberrant splicing (PMID: 17576681, 9536098). Algorithms developed to predict the effect of sequence changes on RNA splicing suggest that this variant may disrupt the consensus splice site, but this prediction has not been confirmed by published transcriptional studies. This variant has not been reported in the literature in individuals with CSF2RB-related conditions. This sequence change falls in intron 9 of the CSF2RB gene. It does not directly change the encoded amino acid sequence of the CSF2RB protein. It affects a nucleotide within the consensus splice site of the intron.

Literature cited by the submitters: PubMed 17576681; PubMed 9536098.

NM_000395.3(CSF2RB):c.1152+5G>A

Gene: CSF2RB (colony stimulating factor 2 receptor subunit beta; plus strand). Cytogenetic location: 22q12.3.
Variant type: single nucleotide variant.
Coding change: c.1152+5G>A on transcript NM_000395.3 (MANE Select); 5 bases into the intron after coding-DNA position 1152, G replaced by A.
Molecular consequence: intron variant.
Genome position (GRCh38, 1-based): chr22:36,932,909, G>A. VCF-style: chr22-36932909-G-A. GRCh37 (hg19) VCF-style: chr22-37328951-G-A.
Identifiers: ClinVar variation 1488376 (VCV001488376.6), dbSNP rs1941181920, ClinGen allele CA2404103368.